The following is an entry in ClinVar:

NM_000553.6(WRN):c.1720+5G>A

Gene: WRN (WRN RecQ like helicase; plus strand). Cytogenetic location: 8p12.
Variant type: single nucleotide variant.
Coding change: c.1720+5G>A on transcript NM_000553.6 (MANE Select); 5 bases into the intron after coding-DNA position 1720, G replaced by A.
Molecular consequence: intron variant.
Genome position (GRCh38, 1-based): chr8:31,090,537, G>A. VCF-style: chr8-31090537-G-A. GRCh37 (hg19) VCF-style: chr8-30948053-G-A.
Identifiers: ClinVar variation 949109 (VCV000949109.7), dbSNP rs1813707238, ClinGen allele CA1139660424.
Genomic context (GRCh38, chr8:31,090,537, plus strand): 5'-AGTGATTCATTCAGTATTAGAAGAAAGAAGAGATAATGTTGCTGTCATGGCAACTGGTAA[G>A]TTGTACTTAAGCAAAACCTAATCCTTTAAAAAAATAAAACATAAAGAGTTTGAAATGCTT-3'

ClinVar aggregate classification (germline): Likely pathogenic. Review status: criteria provided, multiple submitters, no conflicts (2 of 4 stars). 2 submissions from 2 submitters: Likely pathogenic (2). Last evaluated 2022-03-05.

Conditions:
Werner syndrome (WRN). Identifiers: Orphanet 902, MedGen C0043119, MONDO:0010196, OMIM 277700.

Submissions (2):

Baylor Genetics
Classification: Likely pathogenic for Werner syndrome. Last evaluated: 2022-03-05. Review status: criteria provided, single submitter. Criteria: ACMG Guidelines, 2015. Collection method: clinical testing. Allele origin: unknown.

Labcorp Genetics (formerly Invitae), Labcorp
Classification: Likely pathogenic for Werner syndrome. Last evaluated: 2022-02-21. Review status: criteria provided, single submitter. Criteria: Invitae Variant Classification Sherloc (09022015). Collection method: clinical testing. Allele origin: germline.
Comment: In summary, the currently available evidence indicates that the variant is pathogenic, but additional data are needed to prove that conclusively. Therefore, this variant has been classified as Likely Pathogenic. Variants that disrupt the consensus splice site are a relatively common cause of aberrant splicing (PMID: 17576681, 9536098). Studies have shown that this variant results in skipping of exon 14 and introduces a premature termination codon (PMID: 28795391). The resulting mRNA is expected to undergo nonsense-mediated decay. Studies have shown that this variant alters WRN gene expression (PMID: 28795391). ClinVar contains an entry for this variant (Variation ID: 949109). This variant has been observed in individual(s) with Werner syndrome (PMID: 28795391). This variant is not present in population databases (gnomAD no frequency). This sequence change falls in intron 14 of the WRN gene. It does not directly change the encoded amino acid sequence of the WRN protein. RNA analysis indicates that this variant induces altered splicing and may result in an absent or disrupted protein product.

Literature cited by the submitters: PubMed 17576681 (cited by Labcorp Genetics (formerly Invitae), Labcorp); PubMed 9536098 (cited by Labcorp Genetics (formerly Invitae), Labcorp); PubMed 28795391 (cited by Labcorp Genetics (formerly Invitae), Labcorp).